The following is an entry in ClinVar:

NM_017780.4(CHD7):c.4505del (p.Glu1501_Ser1502insTer)

Gene: CHD7 (chromodomain helicase DNA binding protein 7; plus strand). Cytogenetic location: 8q12.2.
Variant type: Deletion.
Coding change: c.4505del on transcript NM_017780.4 (MANE Select); coding-DNA position 4505, one base deleted (C; older notation c.4505delC).
Protein change: p.Glu1501_Ser1502insTer.
Molecular consequence: nonsense. On other transcripts: intron variant (1).
Genome position (GRCh38, 1-based): chr8:60,838,227, C deleted. VCF-style (leftmost placement, unchanged base first): chr8-60838226-TC-T. GRCh37 (hg19) VCF-style: chr8-61750785-TC-T.
Other names: c.1717-24002del (NM_001316690.1).
Identifiers: ClinVar variation 3775236 (VCV003775236.1).

ClinVar aggregate classification (germline): Likely pathogenic (1 of 4 stars; one submission).

Conditions:
CHARGE syndrome (CHARGE). Also called: Hittner Hirsch Kreh syndrome; CHARGE ASSOCIATION--COLOBOMA, HEART ANOMALY, CHOANAL ATRESIA, RETARDATION, GENITAL AND EAR ANOMALIES; Coloboma, heart anomaly, choanal atresia, retardation, genital and ear anomalies; CHARGE association; Hall-Hittner syndrome. Identifiers: Orphanet 138, MedGen C0265354, MONDO:0008965.

Submission:

3billion
Classification: Likely pathogenic for CHD7-related CHARGE syndrome. Last evaluated: 2023-08-08. Review status: criteria provided, single submitter. Criteria: ACMG Guidelines, 2015. Collection method: clinical testing. Allele origin: germline. Affected: yes.
Comment: The variant is not observed in the gnomAD v2.1.1 dataset. Predicted Consequence/Location: Stop-gained (nonsense): predicted to result in a loss or disruption of normal protein function through nonsense-mediated decay (NMD) or protein truncation. Multiple pathogenic variants are reported downstream of the variant. Therefore, this variant is classified as Likely pathogenic according to the recommendation of ACMG/AMP guideline.